The following is an entry in ClinVar:

ClinVar aggregate classification (germline): Likely pathogenic (0 of 4 stars; one submission).

Conditions:
Autosomal recessive limb-girdle muscular dystrophy type 2D (LGMDR3). Also called: MUSCULAR DYSTROPHY, LIMB-GIRDLE, AUTOSOMAL RECESSIVE 3; DUCHENNE-LIKE AUTOSOMAL RECESSIVE MUSCULAR DYSTROPHY, TYPE 2; ADHALINOPATHY, PRIMARY. Identifiers: Orphanet 62, MedGen C2936332, MONDO:0011968, OMIM 608099. Disease mechanism: Affects gamma-sarcoglycan and also disrupts the integrity of the entire sarcoglycan complex..

Submission:

Department of Medical Genetics, National Institute of Health
Classification: Likely pathogenic for Autosomal recessive limb-girdle muscular dystrophy type 2D. Last evaluated: 2022-06-14. Review status: no assertion criteria provided. Collection method: clinical testing. Allele origin: germline. Inheritance: Autosomal recessive inheritance. Affected: yes. Observed: 1 homozygote.
Comment: Electromyography (EMG) showed a myogenic pattern in muscles of upper and lower limbs. NGS sequencing identified a novel variant: NM_000023.4(SGCA):c.701delA. This variant has not been previously reported in databases and confirms the diagnosis of a Muscular dystrophy type 2D. It is classified as likely pathogenic on American College of Medical Genetics and Genomics (ACMG) according to these criteria: PVS1 and PM2.

NM_000023.4(SGCA):c.701del (p.Asp234fs)

Gene: SGCA (sarcoglycan alpha; plus strand). Cytogenetic location: 17q21.33.
Variant type: Deletion.
Coding change: c.701del on transcript NM_000023.4 (MANE Select); coding-DNA position 701, one base deleted (A; older notation c.701delA).
Protein change: p.Asp234fs; shifts the reading frame from aspartic acid 234.
Molecular consequence: frameshift variant. On other transcripts: non-coding transcript variant (1), intron variant (1).
Genome position (GRCh38, 1-based): chr17:50,169,208, A deleted. VCF-style (leftmost placement, unchanged base first): chr17-50169207-GA-G. GRCh37 (hg19) VCF-style: chr17-48246568-GA-G.
Other names: c.584+636del (NM_001135697.3); c.701delA (NM_000023.4); short protein forms D234fs.
Identifiers: ClinVar variation 1691501 (VCV001691501.2), dbSNP rs2509123275, ClinGen allele CA2580094165.